The following is an entry in ClinVar:

ClinVar aggregate classification (germline): Likely benign. Review status: criteria provided, multiple submitters, no conflicts (2 of 4 stars). 2 submissions from 2 submitters: Likely benign (2). Last evaluated 2025-11-18.

Submissions (2):

Labcorp Genetics (formerly Invitae), Labcorp
Classification: Likely benign. Last evaluated: 2025-11-18. Review status: criteria provided, single submitter. Criteria: Invitae Variant Classification Sherloc (09022015). Collection method: clinical testing. Allele origin: germline.

Women's Health and Genetics/Laboratory Corporation of America, LabCorp
Classification: Likely benign. Last evaluated: 2025-04-09. Review status: criteria provided, single submitter. Criteria: LabCorp Variant Classification Summary - May 2015. Collection method: clinical testing. Allele origin: germline.
Comment: Variant summary: ADGRV1 c.12667-14_12667-13delTT alters a non-conserved nucleotide located at a position not widely known to affect splicing. Consensus agreement among computation tools predict no significant impact on normal splicing. However, these predictions have yet to be confirmed by functional studies. The variant allele was found at a frequency of 8.3e-06 in 242100 control chromosomes (gnomAD). The available data on variant occurrences in the general population are insufficient to allow any conclusion about variant significance. To our knowledge, no occurrence of c.12667-14_12667-13delTT in individuals affected with ADGRV1-Related Disorders and no experimental evidence demonstrating its impact on protein function have been reported. ClinVar contains an entry for this variant (Variation ID: 1898718). Based on the evidence outlined above, the variant was classified as likely benign.

NM_032119.4(ADGRV1):c.12667-14_12667-13del

Gene: ADGRV1 (adhesion G protein-coupled receptor V1; plus strand). Cytogenetic location: 5q14.3.
Variant type: Deletion.
Coding change: c.12667-14_12667-13del on transcript NM_032119.4 (MANE Select); 14 bases into the intron before coding-DNA position 12667 through 13 bases into the intron before coding-DNA position 12667, 2 bases deleted (TT; older notation c.12667-14_12667-13delTT).
Molecular consequence: intron variant.
Genome position (GRCh38, 1-based): chr5:90,778,413-90,778,414, TT deleted; deleting any 2 consecutive bases within chr5:90,778,412-90,778,414 gives the same sequence; the c. name uses the placement nearest the transcript's 3' end. VCF-style (leftmost placement, unchanged base first): chr5-90778411-CTT-C. GRCh37 (hg19) VCF-style: chr5-90074228-CTT-C.
Other names: c.12667-14_12667-13delTT (NM_032119.4).
Identifiers: ClinVar variation 1898718 (VCV001898718.7), dbSNP rs1209476860, ClinGen allele CA560906826.